The following is an entry in ClinVar:

NC_000015.10:g.(?_34788628)_(34794818_?)dup

Gene: ACTC1 (actin alpha cardiac muscle 1; minus strand). Cytogenetic location: 15q14.
Variant type: Duplication.
Identifiers: ClinVar variation 833183 (VCV000833183.1).

ClinVar aggregate classification (germline): Uncertain significance (1 of 4 stars; one submission).

Conditions:
Hypertrophic cardiomyopathy 11. Also called: ACTC1-Related Familial Hypertrophic Cardiomyopathy. Identifiers: MedGen C2677506, MONDO:0012799, OMIM 612098.
Dilated cardiomyopathy 1R (CMD1R). Identifiers: Orphanet 154, Orphanet 54260, MedGen C3150681, MONDO:0013261, OMIM 613424.
Atrial septal defect 5 (ASD5). Identifiers: Orphanet 1478, MedGen C2748552, MONDO:0013011, OMIM 612794.

Submission:

Labcorp Genetics (formerly Invitae), Labcorp
Classification: Uncertain significance for Dilated cardiomyopathy 1R; Familial hypertrophic cardiomyopathy 11; Atrial septal defect 5. Last evaluated: 2019-11-03. Review status: criteria provided, single submitter. Criteria: Invitae Variant Classification Sherloc (09022015). Collection method: clinical testing. Allele origin: germline.
Comment: A gross duplication of the genomic region encompassing the full coding sequence of the ACTC1 gene has been identified. The boundaries of this event are unknown as the duplication extends beyond the assayed region for this gene and therefore may encompass additional genes. As the precise location of this duplication is unknown, it may be in tandem or it may be located elsewhere in the genome. This variant has not been reported in the literature in individuals with ACTC1-related disease. In summary, the available evidence is currently insufficient to determine the role of this variant in disease. Therefore, it has been classified as a Variant of Uncertain Significance.